The following is an entry in ClinVar:

ClinVar aggregate classification (germline): Uncertain significance (1 of 4 stars; one submission).

Conditions:
Multiple endocrine neoplasia, type 2 (MEN2). Identifiers: Orphanet 653, MedGen C4048306, MONDO:0019003. Disease mechanism: gain of function.

Submission:

Labcorp Genetics (formerly Invitae), Labcorp
Classification: Uncertain significance for Multiple endocrine neoplasia, type 2. Last evaluated: 2024-10-28. Review status: criteria provided, single submitter. Criteria: Invitae Variant Classification Sherloc (09022015). Collection method: clinical testing. Allele origin: germline.
Comment: This sequence change replaces valine, which is neutral and non-polar, with leucine, which is neutral and non-polar, at codon 1041 of the RET protein (p.Val1041Leu). This variant is not present in population databases (gnomAD no frequency). This variant has not been reported in the literature in individuals affected with RET-related conditions. ClinVar contains an entry for this variant (Variation ID: 1501513). An algorithm developed to predict the effect of missense changes on protein structure and function (PolyPhen-2) suggests that this variant is likely to be tolerated. In summary, the available evidence is currently insufficient to determine the role of this variant in disease. Therefore, it has been classified as a Variant of Uncertain Significance.

NM_020975.6(RET):c.3121G>T (p.Val1041Leu)

Gene: RET (ret proto-oncogene; plus strand). Cytogenetic location: 10q11.21.
Variant type: single nucleotide variant.
Coding change: c.3121G>T on transcript NM_020975.6 (MANE Select); coding-DNA position 3121, G replaced by T.
Protein change: p.Val1041Leu; replaces valine 1041 with leucine.
Molecular consequence: missense variant.
Genome position (GRCh38, 1-based): chr10:43,126,656, G>T. VCF-style: chr10-43126656-G-T. GRCh37 (hg19) VCF-style: chr10-43622104-G-T.
Other names: c.3121G>T, p.Val1041Leu (NM_000323.2, NM_001406743.1, NM_001406744.1 and 4 more transcripts); c.2359G>T, p.Val787Leu (NM_001355216.2); c.2992G>T, p.Val998Leu (NM_001406761.1, NM_001406762.1, NM_001406764.1); c.2986G>T, p.Val996Leu (NM_001406763.1, NM_001406765.1); c.2833G>T, p.Val945Leu (NM_001406766.1, NM_001406767.1, NM_001406770.1); c.2857G>T, p.Val953Leu (NM_001406768.1); c.2725G>T, p.Val909Leu (NM_001406769.1, NM_001406772.1); c.2683G>T, p.Val895Leu (NM_001406771.1, NM_001406773.1); and 10 more; short protein forms V1041L, V787L, V646L, V711L, V742L, V799L, V866L, V909L.
Identifiers: ClinVar variation 1501513 (VCV001501513.9), dbSNP rs2133035526, ClinGen allele CA376558435.